The following is an entry in ClinVar:

NM_002161.6(IARS1):c.944AAG[2] (p.Glu317del)

Gene: IARS1 (isoleucyl-tRNA synthetase 1; minus strand). Cytogenetic location: 9q22.31.
Variant type: Microsatellite.
Coding change: c.944AAG[2] on transcript NM_002161.6 (MANE Select); two copies in a row of the 3-base unit AAG starting at c.944; the reference has three copies in a row; one copy, 3 bases deleted.
Protein change: p.Glu317del; deletes glutamic acid 317.
Molecular consequence: inframe deletion. On other transcripts: non-coding transcript variant (1).
Genome position (GRCh38, 1-based): chr9:92,274,464-92,274,466, CTT deleted on the plus strand (AAG on the coding strand, the reverse complement: IARS1 is on the minus strand); deleting any 3 consecutive bases within chr9:92,274,464-92,274,473 gives the same sequence; the position shown is the placement nearest the transcript's 3' end. VCF-style (leftmost placement, unchanged base first): chr9-92274463-CCTT-C. GRCh37 (hg19) VCF-style: chr9-95036745-CCTT-C.
Other names: c.944AAG[2], p.Glu317del (NM_001374299.1, NM_001374300.1, NM_001374301.1 and 14 more transcripts); c.1007AAG[2], p.Glu338del (NM_001378569.1); c.965AAG[2], p.Glu324del (NM_001378571.1); c.821AAG[2], p.Glu276del (NM_001378583.1); short protein forms E276del, E317del, E324del, E338del.
Identifiers: ClinVar variation 1308751 (VCV001308751.3), dbSNP rs763501764, ClinGen allele CA5122792.
Genomic context (GRCh38, chr9:92,274,463, plus strand): 5'-TTTGCCAGACTTATGCTACTCACAGCACCGAAGTAAGGAGCTTGGTGGACAACCCCTGTG[CCTT>C]CTTCTTCCTTCACATAGTTGTCAACAAGCACAGTGAAAGCGCCATTCTCTTTACACTGGA-3'

ClinVar aggregate classification (germline): Uncertain significance (1 of 4 stars; one submission).

Submission:

GeneDx
Classification: Uncertain significance. Last evaluated: 2026-02-10. Review status: criteria provided, single submitter. Criteria: GeneDx Variant Classification Process June 2021. Collection method: clinical testing. Allele origin: germline. Affected: yes.
Comment: Has not been previously published as pathogenic or benign to our knowledge; In-frame deletion of 1 amino acid in a non-repeat region; In silico analysis, which includes protein predictors and evolutionary conservation, supports a deleterious effect